The following is an entry in ClinVar:

NM_000016.6(ACADM):c.1042C>T (p.Arg348Cys)

Gene: ACADM (acyl-CoA dehydrogenase medium chain; plus strand). Cytogenetic location: 1p31.1.
Variant type: single nucleotide variant.
Coding change: c.1042C>T on transcript NM_000016.6 (MANE Select); coding-DNA position 1042, C replaced by T.
Protein change: p.Arg348Cys; replaces arginine 348 with cysteine.
Molecular consequence: missense variant.
Genome position (GRCh38, 1-based): chr1:75,761,218, C>T. VCF-style: chr1-75761218-C-T. GRCh37 (hg19) VCF-style: chr1-76226903-C-T.
Other names: c.1042C>T (NM_000016.4); c.1054C>T, p.Arg352Cys (NM_001127328.3); c.934C>T, p.Arg312Cys (NM_001286042.2); c.1141C>T, p.Arg381Cys (NM_001286043.2); c.475C>T, p.Arg159Cys (NM_001286044.2); short protein forms R352C, R159C, R348C, R381C, R312C.
Identifiers: ClinVar variation 950466 (VCV000950466.16), dbSNP rs1648832587, ClinGen allele CA340818049.
Genomic context (GRCh38, chr1:75,761,218, plus strand): 5'-ATGAAAGTTGAACTAGCTAGAATGAGTTACCAGAGAGCAGCTTGGGAGGTTGATTCTGGT[C>T]GTCGAAATACCTATTATGCTTCTATTGCAAAGGCATTTGCTGGAGATATTGCAAATCAGT-3'
Protein context (NP_000007.1, residues 338-358): QRAAWEVDSG[Arg348Cys]RNTYYASIAK

ClinVar aggregate classification (germline): Conflicting classifications of pathogenicity. Review status: criteria provided, conflicting classifications (1 of 4 stars). 5 submissions from 5 submitters: Pathogenic (1); Likely pathogenic (3); Uncertain significance (1). Last evaluated 2026-02-19.

Conditions:
Medium-chain acyl-coenzyme A dehydrogenase deficiency (ACADMD). Also called: MCAD Deficiency; CARNITINE DEFICIENCY SECONDARY TO MEDIUM-CHAIN ACYL-CoA DEHYDROGENASE DEFICIENCY; Medium chain acyl-CoA dehydrogenase deficiency; MCADD; MCADH DEFICIENCY; ACADM DEFICIENCY. Identifiers: Orphanet 42, MedGen C0220710, MONDO:0008721, OMIM 201450.

Allele frequency attached by ClinVar (database versions not stated): gnomAD exomes below 0.00001; gnomAD 0.00001; TOPMed 0.00001.
gnomAD v4.1: 9 of 1,613,952 alleles (0.00056%); highest among the groups gnomAD compares: Non-Finnish European, 0.00068%; no homozygotes.

Submissions (5):

Myriad Genetics, Inc.
Classification: Uncertain significance for Medium-chain acyl-coenzyme A dehydrogenase deficiency. Last evaluated: 2026-02-19. Review status: criteria provided, single submitter. Criteria: Myriad Autosomal Dominant, Autosomal Recessive and X-Linked Classification Criteria (2023). Collection method: clinical testing. Allele origin: unknown.
Comment: NM_000016.4(ACADM):c.1042C>T(R348C) is a missense variant classified as a variant of uncertain significance in the context of medium-chain acyl-CoA dehydrogenase deficiency. R348C has been observed in cases with relevant disease (PMID: 20434380, 27856190). Relevant functional assessments of this variant are not available in the literature. R348C has not been observed in referenced population frequency databases. In summary, there is insufficient evidence to classify NM_000016.4(ACADM):c.1042C>T(R348C) as pathogenic or benign. Please note: this variant was assessed in the context of healthy population screening.

Labcorp Genetics (formerly Invitae), Labcorp
Classification: Pathogenic for Medium-chain acyl-coenzyme A dehydrogenase deficiency. Last evaluated: 2024-10-24. Review status: criteria provided, single submitter. Criteria: Invitae Variant Classification Sherloc (09022015). Collection method: clinical testing. Allele origin: germline.
Comment: This sequence change replaces arginine, which is basic and polar, with cysteine, which is neutral and slightly polar, at codon 348 of the ACADM protein (p.Arg348Cys). This variant is not present in population databases (gnomAD no frequency). This missense change has been observed in individual(s) with medium-chain acyl-coenzyme A dehydrogenase deficiency (PMID: 20434380, 27856190; internal data). In at least one individual the data is consistent with being in trans (on the opposite chromosome) from a pathogenic variant. ClinVar contains an entry for this variant (Variation ID: 950466). Invitae Evidence Modeling of protein sequence and biophysical properties (such as structural, functional, and spatial information, amino acid conservation, physicochemical variation, residue mobility, and thermodynamic stability) has been performed for this missense variant. However, the output from this modeling did not meet the statistical confidence thresholds required to predict the impact of this variant on ACADM protein function. For these reasons, this variant has been classified as Pathogenic.

Baylor Genetics
Classification: Likely pathogenic for Medium-chain acyl-coenzyme A dehydrogenase deficiency. Last evaluated: 2024-02-26. Review status: criteria provided, single submitter. Criteria: ACMG Guidelines, 2015. Collection method: clinical testing. Allele origin: unknown.

GeneDx
Classification: Likely pathogenic. Last evaluated: 2023-03-23. Review status: criteria provided, single submitter. Criteria: GeneDx Variant Classification Process June 2021. Collection method: clinical testing. Allele origin: germline. Affected: yes.
Comment: Not observed at significant frequency in large population cohorts (gnomAD); In silico analysis supports that this missense variant has a deleterious effect on protein structure/function; This variant is associated with the following publications: (PMID: 27856190, 20434380, 27535533)

Women's Health and Genetics/Laboratory Corporation of America, LabCorp
Classification: Likely pathogenic for Medium-chain acyl-coenzyme A dehydrogenase deficiency. Last evaluated: 2023-01-24. Review status: criteria provided, single submitter. Criteria: LabCorp Variant Classification Summary - May 2015. Collection method: clinical testing. Allele origin: germline.
Comment: Variant summary: ACADM c.1042C>T (p.Arg348Cys) results in a non-conservative amino acid change located in the Acyl-CoA dehydrogenase/oxidase C-terminal (IPR009075) of the encoded protein sequence. Three of five in-silico tools predict a damaging effect of the variant on protein function. The variant was absent in 251376 control chromosomes. c.1042C>T has been reported in the literature in individuals affected with Medium Chain Acyl-CoA Dehydrogenase Deficiency (Tajima_2016, Smith_2010). To our knowledge, no experimental evidence demonstrating an impact on protein function has been reported. One clinical diagnostic laboratory has submitted clinical-significance assessments for this variant to ClinVar after 2014 without evidence for independent evaluation. One laboratory classified the variant as pathogenic. Based on the evidence outlined above, the variant was classified as likely pathogenic.

Literature cited by the submitters: PubMed 20434380 (cited by 3 submitters); PubMed 27856190 (cited by 3 submitters).